The following continues an entry in ClinVar:

NM_007294.4(BRCA1):c.3748G>T (p.Glu1250Ter)

ClinVar aggregate classification (germline): Pathogenic. Pathogenic (1).

Submissions 27 to 29 of 29:

Department of Pathology and Laboratory Medicine, Sinai Health System
Classification: Pathogenic. Review status: no assertion criteria provided. Collection method: clinical testing. Allele origin: unknown. Affected: yes. Observed: 2 variant alleles. Study: The Canadian Open Genetics Repository (COGR). Not counted in ClinVar's aggregate classification.
Comment: The p.Glu1250X variant has been previously observed in our lab in 2 individuals with breast and ovarian cancer. It has also been reported in the literature in 9/522 proband chromosomes of individuals with breast cancer or HBOC; although no control chromosomes were tested to establish the variant's frequency in the general population (Castilla_1994, Eng_2001, Rohlfs_1997, Swisher_2008, Thompson_2012, Tian_2000). The variant has also been identified in the UMD (n=19), BIC (n=47), Exome Server and BOCs databases. In the UMD and BIC databases, the variant was described as being causal and of important clinical significance. It is listed in dbSNP database as coming from a "clinical source" (ID#: rs28897686) but no frequency information was provided therefore not very informative for assessing the population frequency. The variant leads to a premature stop codon at position 1250 which is predicted to cause premature truncation of the protein product. This is a loss of function variant and loss of function is an established disease mechanism for the BRCA1 gene. In summary, based on the above information, this variant is classified as pathogenic.

Diagnostic Laboratory, Department of Genetics, University Medical Center Groningen
Classification: Pathogenic for Breast-ovarian cancer, familial, susceptibility to, 1. Review status: no assertion criteria provided. Collection method: clinical testing. Allele origin: germline. Affected: yes. Study: VKGL Data-share Consensus. Not counted in ClinVar's aggregate classification.

Joint Genome Diagnostic Labs from Nijmegen and Maastricht, Radboudumc and MUMC+
Classification: Pathogenic. Review status: no assertion criteria provided. Collection method: clinical testing. Allele origin: germline. Affected: yes. Study: VKGL Data-share Consensus. Not counted in ClinVar's aggregate classification.

Literature cited by the submitters: PubMed 20104584 (cited by 6 submitters); PubMed 7894491 (cited by 6 submitters); PubMed 12497638 (cited by 4 submitters); PubMed 24504028 (cited by 6 submitters); PubMed 24728189 (cited by 3 submitters); PubMed 18413725 (cited by 3 submitters); PubMed 21120943 (cited by Color Diagnostics, LLC DBA Color Health and All of Us Research Program, National Institutes of Health); PubMed 22469508 (cited by 3 submitters); PubMed 22486713 (cited by 3 submitters); PubMed 26681312 (cited by 5 submitters); PubMed 26689913 (cited by 6 submitters); PubMed 26845104 (cited by 3 submitters); PubMed 27062684 (cited by Color Diagnostics, LLC DBA Color Health and All of Us Research Program, National Institutes of Health); PubMed 27767231 (cited by 4 submitters); PubMed 29446198 (cited by 4 submitters); PubMed 33471991 (cited by 3 submitters); PubMed 16683254 (cited by Ambry Genetics and Counsyl); PubMed 22009639 (cited by 3 submitters); PubMed 22762150 (cited by Ambry Genetics and Counsyl); PubMed 25525159 (cited by Ambry Genetics); PubMed 25556971 (cited by Ambry Genetics and Counsyl); PubMed 26843898 (cited by Ambry Genetics and Quest Diagnostics Nichols Institute San Juan Capistrano); PubMed 29565420 (cited by Ambry Genetics); PubMed 31815095 (cited by Ambry Genetics and Quest Diagnostics Nichols Institute San Juan Capistrano); PubMed 29625052 (cited by Quest Diagnostics Nichols Institute San Juan Capistrano and Sema4); PubMed 30322717 (cited by Quest Diagnostics Nichols Institute San Juan Capistrano); PubMed 26295337 (cited by Quest Diagnostics Nichols Institute San Juan Capistrano); PubMed 21205087 (cited by Women's Health and Genetics/Laboratory Corporation of America, LabCorp).